The following is an entry in ClinVar:

NM_001289080.2(CNTN6):c.5G>A (p.Arg2Lys)

Gene: CNTN6 (contactin 6; plus strand). Cytogenetic location: 3p26.3.
Variant type: single nucleotide variant.
Coding change: c.5G>A on transcript NM_001289080.2 (MANE Select); coding-DNA position 5, G replaced by A.
Protein change: p.Arg2Lys; replaces arginine 2 with lysine.
Molecular consequence: missense variant. On other transcripts: 5 prime UTR variant (3), intron variant (2).
Genome position (GRCh38, 1-based): chr3:1,148,013, G>A. VCF-style: chr3-1148013-G-A. GRCh37 (hg19) VCF-style: chr3-1189697-G-A.
Other names: c.5G>A, p.Arg2Lys (NM_001349350.2, NM_001349351.2, NM_001349352.2 and 7 more transcripts); c.-811G>A (NM_001349360.2); c.-1113G>A (NM_001349361.2); c.-1015G>A (NM_001349362.2); c.-162+54893G>A (NM_001289081.2); c.-883+54893G>A (NM_001349359.2); short protein forms R2K.
Identifiers: ClinVar variation 5001345 (VCV005001345.1).

ClinVar aggregate classification (germline): Likely benign (1 of 4 stars; one submission).

Conditions:
CNTN6-related disorder. Also called: CNTN6-related condition.

gnomAD v4.1: 187 of 1,606,414 alleles (0.012%); highest among the groups gnomAD compares: African/African-American, 0.22%; no homozygotes.

Submission:

PreventionGenetics, part of Exact Sciences
Classification: Likely benign for CNTN6-related condition. Last evaluated: 2026-02-24. Review status: criteria provided, single submitter. Criteria: ACMG Guidelines, 2015. Collection method: clinical testing. Allele origin: germline.
Comment: This variant is classified as likely benign based on ACMG/AMP sequence variant interpretation guidelines (Richards et al. 2015 PMID: 25741868, with internal and published modifications).